The following is an entry in ClinVar:

NM_007194.4(CHEK2):c.707T>A (p.Leu236Gln)

Gene: CHEK2 (checkpoint kinase 2; minus strand). Cytogenetic location: 22q12.1.
Variant type: single nucleotide variant.
Coding change: c.707T>A on transcript NM_007194.4 (MANE Select); coding-DNA position 707, T replaced by A.
Protein change: p.Leu236Gln; replaces leucine 236 with glutamine.
Molecular consequence: missense variant.
Genome position (GRCh38, 1-based): chr22:28,711,994, A>T on the plus strand (T>A on the coding strand, the complement: CHEK2 is on the minus strand). VCF-style: chr22-28711994-A-T. GRCh37 (hg19) VCF-style: chr22-29107982-A-T.
Other names: c.836T>A, p.Leu279Gln (NM_001005735.3); c.44T>A, p.Leu15Gln (NM_001257387.3); c.506T>A, p.Leu169Gln (NM_001349956.3); c.707T>A, p.Leu236Gln (NM_145862.3); short protein forms L236Q, L15Q, L279Q, L169Q.
Identifiers: ClinVar variation 232155 (VCV000232155.8), dbSNP rs587782471, ClinGen allele CA10581081.

ClinVar aggregate classification (germline): Uncertain significance. Review status: criteria provided, multiple submitters, no conflicts (2 of 4 stars). 2 submissions from 2 submitters: Uncertain significance (2). Last evaluated 2025-01-29.

Conditions:
Hereditary cancer-predisposing syndrome. Also called: Neoplastic Syndromes, Hereditary; Tumor predisposition; Hereditary Cancer Syndrome; Hereditary neoplastic syndrome. Identifiers: Orphanet 140162, MedGen C0027672, MeSH D009386, MONDO:0015356.
Familial cancer of breast. Also called: BREAST CANCER, FAMILIAL; hereditary breast carcinoma; Hereditary breast cancer. Identifiers: Orphanet 227535, MedGen C0346153, MONDO:0016419, OMIM 114480. Disease mechanism: loss of function.

gnomAD v4.1: 13 of 1,613,944 alleles (0.00081%); highest among the groups gnomAD compares: South Asian, 0.014%; no homozygotes.

Submissions (2):

Labcorp Genetics (formerly Invitae), Labcorp
Classification: Uncertain significance for Familial cancer of breast. Last evaluated: 2025-01-29. Review status: criteria provided, single submitter. Criteria: Invitae Variant Classification Sherloc (09022015). Collection method: clinical testing. Allele origin: germline.
Comment: This sequence change replaces leucine, which is neutral and non-polar, with glutamine, which is neutral and polar, at codon 236 of the CHEK2 protein (p.Leu236Gln). This variant is present in population databases (no rsID available, gnomAD 0.006%). This variant has not been reported in the literature in individuals affected with CHEK2-related conditions. ClinVar contains an entry for this variant (Variation ID: 232155). An algorithm developed to predict the effect of missense changes on protein structure and function (PolyPhen-2) suggests that this variant is likely to be disruptive. This variant disrupts the p.Leu236 amino acid residue in CHEK2. Other variant(s) that disrupt this residue have been determined to be pathogenic (PMID: 25186627, 25318351, 30851065, 31206626, 37449874; internal data). This suggests that this residue is clinically significant, and that variants that disrupt this residue are likely to be disease-causing. In summary, the available evidence is currently insufficient to determine the role of this variant in disease. Therefore, it has been classified as a Variant of Uncertain Significance.

Ambry Genetics
Classification: Uncertain significance for Hereditary cancer-predisposing syndrome. Last evaluated: 2024-10-29. Review status: criteria provided, single submitter. Criteria: Ambry Variant Classification Scheme 2023. Collection method: clinical testing. Allele origin: germline.
Comment: The p.L236Q variant (also known as c.707T>A), located in coding exon 5 of the CHEK2 gene, results from a T to A substitution at nucleotide position 707. The leucine at codon 236 is replaced by glutamine, an amino acid with dissimilar properties. This amino acid position is well conserved in available vertebrate species. In addition, the in silico prediction for this alteration is inconclusive. Based on the available evidence, the clinical significance of this variant remains unclear.

Literature cited by the submitters: PubMed 25186627 (cited by Labcorp Genetics (formerly Invitae), Labcorp); PubMed 25318351 (cited by Labcorp Genetics (formerly Invitae), Labcorp); PubMed 30851065 (cited by Labcorp Genetics (formerly Invitae), Labcorp); PubMed 31206626 (cited by Labcorp Genetics (formerly Invitae), Labcorp); PubMed 37449874 (cited by Labcorp Genetics (formerly Invitae), Labcorp).